The following is an entry in ClinVar:

NM_000540.3(RYR1):c.259G>C (p.Ala87Pro)

Gene: RYR1 (ryanodine receptor 1; plus strand). Cytogenetic location: 19q13.2.
Variant type: single nucleotide variant.
Coding change: c.259G>C on transcript NM_000540.3 (MANE Select); coding-DNA position 259, G replaced by C.
Protein change: p.Ala87Pro; replaces alanine 87 with proline.
Molecular consequence: missense variant.
Genome position (GRCh38, 1-based): chr19:38,442,442, G>C. VCF-style: chr19-38442442-G-C. GRCh37 (hg19) VCF-style: chr19-38933082-G-C.
Other names: c.259G>C, p.Ala87Pro (NM_001042723.2); short protein forms A87P.
Identifiers: ClinVar variation 3070160 (VCV003070160.1), dbSNP rs2513965960, ClinGen allele CA405674484.
Genomic context (GRCh38, chr19:38,442,442, plus strand): 5'-GTCCTGGAGCAGTCCCTGTCTGTGCGAGCCCTGCAGGAGATGCTGGCTAACACGGTGGAG[G>C]CTGGCGTGGAGGTGAGGACCCCACCTGGGGGTGGGCGGGGTGGCAGAGATGGGCGAGAGG-3'
Protein context (NP_000531.2, residues 77-97): LQEMLANTVE[Ala87Pro]GVESSQGGGH

ClinVar aggregate classification (germline): Uncertain significance (1 of 4 stars; one submission).

Conditions:
Malignant hyperthermia, susceptibility to, 1 (MHS1). Also called: RYR1-Related Malignant Hyperthermia Susceptibility; Anesthesia related hyperthermia; Malignant hyperpyrexia; Fulminating hyperpyrexia; Pharmacogenic myopathy; Malignant hyperthermia suceptibility 1. Identifiers: Orphanet 423, MedGen C2930980, MONDO:0007783, OMIM 145600.

Allele frequency attached by ClinVar (database versions not stated): gnomAD exomes below 0.00001.
gnomAD v4.1: 1 of 1,613,396 alleles (0.000062%); highest among the groups gnomAD compares: Non-Finnish European, 0.000085%; no homozygotes.

Submission:

All of Us Research Program, National Institutes of Health
Classification: Uncertain significance for Malignant hyperthermia, susceptibility to, 1. Last evaluated: 2023-06-26. Review status: criteria provided, single submitter. Criteria: ACMG Guidelines, 2015. Collection method: clinical testing. Allele origin: germline. Inheritance: Autosomal dominant inheritance. Observed: 2 variant alleles, 2 heterozygotes.
Comment: This missense variant replaces alanine with proline at codon 87 of the RYR1 protein. Computational prediction is inconclusive regarding the impact of this variant on protein structure and function (internally defined REVEL score threshold 0.5 < inconclusive < 0.7, PMID: 27666373). To our knowledge, functional studies have not been reported for this variant. This variant has not been reported in individuals affected with RYR1-related disorders in the literature. This variant has not been identified in the general population by the Genome Aggregation Database (gnomAD). The available evidence is insufficient to determine the role of this variant in disease conclusively. Therefore, this variant is classified as a Variant of Uncertain Significance.

This study involves interpretation of variants in research participants for the purpose of population health screening. Participant phenotype was not available at the time of variant classification. Additional details can be found in publication PMID: 35346344, PMCID: PMC8962531